The following is an entry in ClinVar:

ClinVar aggregate classification (germline): Uncertain significance (1 of 4 stars; one submission).

Submission:

Labcorp Genetics (formerly Invitae), Labcorp
Classification: Uncertain significance. Last evaluated: 2022-06-05. Review status: criteria provided, single submitter. Criteria: Invitae Variant Classification Sherloc (09022015). Collection method: clinical testing. Allele origin: germline.
Comment: In summary, the available evidence is currently insufficient to determine the role of this variant in disease. Therefore, it has been classified as a Variant of Uncertain Significance. Algorithms developed to predict the effect of sequence changes on RNA splicing suggest that this variant may create or strengthen a splice site. This sequence change replaces threonine, which is neutral and polar, with serine, which is neutral and polar, at codon 322 of the EIF2B5 protein (p.Thr322Ser). This variant is not present in population databases (gnomAD no frequency). This variant has not been reported in the literature in individuals affected with EIF2B5-related conditions. ClinVar contains an entry for this variant (Variation ID: 1350380). Advanced modeling of protein sequence and biophysical properties (such as structural, functional, and spatial information, amino acid conservation, physicochemical variation, residue mobility, and thermodynamic stability) performed at Invitae indicates that this missense variant is expected to disrupt EIF2B5 protein function.

NM_003907.3(EIF2B5):c.965C>G (p.Thr322Ser)

Gene: EIF2B5 (eukaryotic translation initiation factor 2B subunit epsilon; plus strand). Cytogenetic location: 3q27.1.
Variant type: single nucleotide variant.
Coding change: c.965C>G on transcript NM_003907.3 (MANE Select); coding-DNA position 965, C replaced by G.
Protein change: p.Thr322Ser; replaces threonine 322 with serine.
Molecular consequence: missense variant.
Genome position (GRCh38, 1-based): chr3:184,140,539, C>G. VCF-style: chr3-184140539-C-G. GRCh37 (hg19) VCF-style: chr3-183858327-C-G.
Other names: short protein forms T322S.
Identifiers: ClinVar variation 1350380 (VCV001350380.6), dbSNP rs1191243277, ClinGen allele CA355385388.